The following is an entry in ClinVar:

NM_014698.3(TMEM63A):c.1895C>T (p.Ala632Val)

Gene: TMEM63A (transmembrane protein 63A; minus strand). Cytogenetic location: 1q42.12.
Variant type: single nucleotide variant.
Coding change: c.1895C>T on transcript NM_014698.3 (MANE Select); coding-DNA position 1895, C replaced by T.
Protein change: p.Ala632Val; replaces alanine 632 with valine.
Molecular consequence: missense variant.
Genome position (GRCh38, 1-based): chr1:225,852,672, G>A on the plus strand (C>T on the coding strand, the complement: TMEM63A is on the minus strand). VCF-style: chr1-225852672-G-A. GRCh37 (hg19) VCF-style: chr1-226040373-G-A.
Other names: short protein forms A632V.
Identifiers: ClinVar variation 2639963 (VCV002639963.24), dbSNP rs116201959, ClinGen allele CA1418992.

ClinVar aggregate classification (germline): Likely benign (1 of 4 stars; one submission).

Allele frequency attached by ClinVar (database versions not stated): TOPMed 0.00006; ExAC 0.00010; gnomAD 0.00011; gnomAD exomes 0.00014; ESP Exome Variant Server 0.00015; 1000 Genomes Project 0.00040; 1000 Genomes Project 30x 0.00062.
gnomAD v4.1: 220 of 1,612,886 alleles (0.014%); highest among the groups gnomAD compares: African/African-American, 0.035%; no homozygotes.

Submission:

CeGaT Center for Human Genetics Tuebingen
Classification: Likely benign. Last evaluated: 2022-10-01. Review status: criteria provided, single submitter. Criteria: CeGaT Center For Human Genetics Tuebingen Variant Classification Criteria Version 2. Collection method: clinical testing. Allele origin: germline. Affected: yes. Observed: 1 variant allele.
Comment: TMEM63A: BP4